The following is an entry in ClinVar:

NM_000256.3(MYBPC3):c.405dup (p.Gly136fs)

Gene: MYBPC3 (myosin binding protein C3; minus strand). Cytogenetic location: 11p11.2.
Variant type: Duplication.
Coding change: c.405dup on transcript NM_000256.3 (MANE Select); coding-DNA position 405, one base duplicated (A; older notation c.405dupA).
Protein change: p.Gly136fs; shifts the reading frame from glycine 136.
Molecular consequence: frameshift variant.
Genome position (GRCh38, 1-based): chr11:47,350,503, T duplicated on the plus strand (A on the coding strand, the reverse complement: MYBPC3 is on the minus strand); the first of 3 consecutive T bases (chr11:47,350,503-47,350,505); duplicating any one gives the same sequence. VCF-style (leftmost placement, unchanged base first): chr11-47350502-C-CT. GRCh37 (hg19) VCF-style: chr11-47372053-C-CT.
Other names: c.405dupA (NM_000256.3); c.405dup, p.Gly136fs (LRG_386t1); short protein forms G136fs.
Identifiers: ClinVar variation 520386 (VCV000520386.8), dbSNP rs1555123597, ClinGen allele CA658797647.

ClinVar aggregate classification (germline): Pathogenic. Review status: criteria provided, multiple submitters, no conflicts (2 of 4 stars). 2 submissions from 2 submitters: Pathogenic (2). Last evaluated 2023-11-28.

Conditions:
Cardiovascular phenotype. Identifiers: MedGen CN230736.
Hypertrophic cardiomyopathy. Also called: HYPERTROPHIC MYOCARDIOPATHY. Identifiers: Orphanet 217569, MedGen C0007194, MeSH D002312, MONDO:0005045, HP:0001639.

Submissions (2):

Labcorp Genetics (formerly Invitae), Labcorp
Classification: Pathogenic for Hypertrophic cardiomyopathy. Last evaluated: 2023-11-28. Review status: criteria provided, single submitter. Criteria: Invitae Variant Classification Sherloc (09022015). Collection method: clinical testing. Allele origin: germline.
Comment: This sequence change creates a premature translational stop signal (p.Gly136Argfs*17) in the MYBPC3 gene. It is expected to result in an absent or disrupted protein product. Loss-of-function variants in MYBPC3 are known to be pathogenic (PMID: 19574547). This variant is not present in population databases (gnomAD no frequency). This variant has not been reported in the literature in individuals affected with MYBPC3-related conditions. ClinVar contains an entry for this variant (Variation ID: 520386). For these reasons, this variant has been classified as Pathogenic.

Ambry Genetics
Classification: Pathogenic for Cardiovascular phenotype. Last evaluated: 2017-12-07. Review status: criteria provided, single submitter. Criteria: Ambry Variant Classification Scheme 2023. Collection method: clinical testing. Allele origin: germline.
Comment: The c.405dupA pathogenic mutation, located in coding exon 3 of the MYBPC3 gene, results from a duplication of A at nucleotide position 405, causing a translational frameshift with a predicted alternate stop codon (p.G136Rfs*17). This alteration is expected to result in loss of function by premature protein truncation or nonsense-mediated mRNA decay. As such, this alteration is interpreted as a disease-causing mutation.

Literature cited by the submitters: PubMed 19574547 (cited by Labcorp Genetics (formerly Invitae), Labcorp).